The following is an entry in ClinVar:

ClinVar aggregate classification (germline): not provided (0 of 4 stars; one submission).

Conditions:
Analbuminemia (ANALBA). Also called: Analbuminemia, American Indian type; Analbuminemia, Vancouver. Identifiers: Orphanet 86816, MedGen C0878666, OMIM 616000.

Submission:

ClinVar Staff, National Center for Biotechnology Information (NCBI)
No classification provided. Review status: no classification provided. Collection method: not provided. Allele origin: unknown.
Comment: Analbuminemia Monastir

NM_000477.7(ALB):c.1275C>A (p.Tyr425Ter)

Gene: ALB (albumin; plus strand). Cytogenetic location: 4q13.3.
Variant type: single nucleotide variant.
Coding change: c.1275C>A on transcript NM_000477.7 (MANE Select); coding-DNA position 1275, C replaced by A.
Protein change: p.Tyr425Ter; replaces tyrosine 425 with a stop codon.
Molecular consequence: nonsense.
Genome position (GRCh38, 1-based): chr4:73,416,339, C>A. VCF-style: chr4-73416339-C-A. GRCh37 (hg19) VCF-style: chr4-74282056-C-A.
Other names: Monastir; short protein forms Y425*.
Identifiers: ClinVar variation 156309 (VCV000156309.1), dbSNP rs281860283, ClinGen allele CA170810.